The following is an entry in ClinVar:

NM_002253.4(KDR):c.2614+1G>A

Gene: KDR (kinase insert domain receptor; minus strand). Cytogenetic location: 4q12.
Variant type: single nucleotide variant.
Coding change: c.2614+1G>A on transcript NM_002253.4 (MANE Select); the canonical splice donor site of the intron after coding-DNA position 2614, G replaced by A.
Molecular consequence: splice donor variant.
Genome position (GRCh38, 1-based): chr4:55,097,661, C>T on the plus strand (G>A on the coding strand, the complement: KDR is on the minus strand). VCF-style: chr4-55097661-C-T. GRCh37 (hg19) VCF-style: chr4-55963828-C-T.
Identifiers: ClinVar variation 3062017 (VCV003062017.1), dbSNP rs2545277848, ClinGen allele CA356905789.

ClinVar aggregate classification (germline): Likely pathogenic (1 of 4 stars; one submission).

Conditions:
Tetralogy of Fallot (TOF). Identifiers: Orphanet 3303, MedGen C0039685, MONDO:0008542, OMIM 187500, HP:0001636.

Allele frequency attached by ClinVar (database versions not stated): gnomAD exomes below 0.00001.
gnomAD v4.1: 1 of 1,604,158 alleles (0.000062%); highest among the groups gnomAD compares: Non-Finnish European, 0.000085%; no homozygotes.

Submission:

Illumina Laboratory Services, Illumina
Classification: Likely pathogenic for Tetralogy of Fallot. Last evaluated: 2023-11-17. Review status: criteria provided, single submitter. Criteria: ICSLVariantClassificationCriteria RUGD 01 April 2020. Collection method: clinical testing. Allele origin: unknown.
Comment: The KDR c.2614+1G>A variant results in a substitution at the consensus splice donor site which may result in splicing defects and loss of normal protein function. This variant is not observed at a significant frequency in version 2.1.1 or version 3.1.2 of the Genome Aggregation Database. Multiple lines of computational evidence suggest the variant may impact the gene or gene product. Based on the available evidence, the c.2614+1G>A variant is classified as likely pathogenic for tetralogy of Fallot.